The following is an entry in ClinVar:

ClinVar aggregate classification (germline): Likely benign (1 of 4 stars; one submission).

gnomAD v4.1: 6 of 1,299,470 alleles (0.00046%); highest among the groups gnomAD compares: South Asian, 0.0014%; no homozygotes.

Submission:

CeGaT Center for Human Genetics Tuebingen
Classification: Likely benign. Last evaluated: 2025-11-01. Review status: criteria provided, single submitter. Criteria: CeGaT Center For Human Genetics Tuebingen Variant Classification Criteria Version 2. Collection method: clinical testing. Allele origin: germline. Affected: yes. Observed: 1 variant allele.
Comment: HCN2: BP4

NM_001194.4(HCN2):c.1990+6C>A

Gene: HCN2 (hyperpolarization activated cyclic nucleotide gated potassium and sodium channel 2; plus strand). Cytogenetic location: 19p13.3.
Variant type: single nucleotide variant.
Coding change: c.1990+6C>A on transcript NM_001194.4 (MANE Select); 6 bases into the intron after coding-DNA position 1990, C replaced by A.
Molecular consequence: intron variant.
Genome position (GRCh38, 1-based): chr19:614,022, C>A. VCF-style: chr19-614022-C-A. GRCh37 (hg19) VCF-style: chr19-614022-C-A.
Identifiers: ClinVar variation 4534694 (VCV004534694.6).